The following is an entry in ClinVar:

NM_005431.2(XRCC2):c.307A>G (p.Ser103Gly)

Gene: XRCC2 (X-ray repair cross complementing 2; minus strand). Cytogenetic location: 7q36.1.
Variant type: single nucleotide variant.
Coding change: c.307A>G on transcript NM_005431.2 (MANE Select); coding-DNA position 307, A replaced by G.
Protein change: p.Ser103Gly; replaces serine 103 with glycine.
Molecular consequence: missense variant.
Genome position (GRCh38, 1-based): chr7:152,649,178, T>C on the plus strand (A>G on the coding strand, the complement: XRCC2 is on the minus strand). VCF-style: chr7-152649178-T-C. GRCh37 (hg19) VCF-style: chr7-152346263-T-C.
Other names: short protein forms S103G.
Identifiers: ClinVar variation 4558548 (VCV004558548.1).

ClinVar aggregate classification (germline): Uncertain significance (1 of 4 stars; one submission).

Conditions:
Hereditary cancer-predisposing syndrome. Also called: Tumor predisposition; Hereditary Cancer Syndrome; Hereditary neoplastic syndrome; Neoplastic Syndromes, Hereditary. Identifiers: Orphanet 140162, MedGen C0027672, MeSH D009386, MONDO:0015356.

Submission:

Ambry Genetics
Classification: Uncertain significance for Hereditary cancer-predisposing syndrome. Last evaluated: 2025-10-22. Review status: criteria provided, single submitter. Criteria: Ambry Variant Classification Scheme 2023. Collection method: clinical testing. Allele origin: germline.
Comment: The p.S103G variant (also known as c.307A>G), located in coding exon 3 of the XRCC2 gene, results from an A to G substitution at nucleotide position 307. The serine at codon 103 is replaced by glycine, an amino acid with similar properties. This amino acid position is conserved. In addition, this alteration is predicted to be tolerated by in silico analysis. Based on the available evidence, the clinical significance of this variant remains unclear.